The following is an entry in ClinVar:

NM_001267550.2(TTN):c.34186G>C (p.Glu11396Gln)

Gene: TTN (titin; minus strand). Cytogenetic location: 2q31.2.
Variant type: single nucleotide variant.
Coding change: c.34186G>C on transcript NM_001267550.2 (MANE Select); coding-DNA position 34186, G replaced by C.
Protein change: p.Glu11396Gln; replaces glutamic acid 11396 with glutamine.
Molecular consequence: missense variant. On other transcripts: intron variant (3).
Genome position (GRCh38, 1-based): chr2:178,677,726, C>G on the plus strand (G>C on the coding strand, the complement: TTN is on the minus strand). VCF-style: chr2-178677726-C-G. GRCh37 (hg19) VCF-style: chr2-179542453-C-G.
Other names: c.33235G>C, p.Glu11079Gln (NM_001256850.1); c.30454G>C, p.Glu10152Gln (NM_133378.4); c.13283-35409G>C (NM_003319.4); c.13859-35409G>C (NM_133437.4); c.13658-35409G>C (NM_133432.3); short protein forms E11396Q, E10152Q, E11079Q.
Identifiers: ClinVar variation 4995206 (VCV004995206.1).

ClinVar aggregate classification (germline): Uncertain significance (1 of 4 stars; one submission).

Conditions:
TTN-related disorder. Also called: TTN-related condition; TTN-related disease; TTN-related disorders.

Submission:

PreventionGenetics, part of Exact Sciences
Classification: Uncertain significance for TTN-related condition. Last evaluated: 2026-01-22. Review status: criteria provided, single submitter. Criteria: ACMG Guidelines, 2015. Collection method: clinical testing. Allele origin: germline.
Comment: The TTN c.34186G>C variant is predicted to result in the amino acid substitution p.Glu11396Gln. To our knowledge, this variant has not been reported in the literature or in a large population database (gnomAD), indicating this variant is rare. At this time, the clinical significance of this variant is uncertain due to the absence of conclusive functional and genetic evidence.